The following is an entry in ClinVar:

NM_001048174.2(MUTYH):c.1434+4A>G

Gene: MUTYH (mutY DNA glycosylase; minus strand). Cytogenetic location: 1p34.1.
Variant type: single nucleotide variant.
Coding change: c.1434+4A>G on transcript NM_001048174.2 (MANE Select); 4 bases into the intron after coding-DNA position 1434, A replaced by G.
Molecular consequence: intron variant.
Genome position (GRCh38, 1-based): chr1:45,330,512, T>C on the plus strand (A>G on the coding strand, the complement: MUTYH is on the minus strand). VCF-style: chr1-45330512-T-C. GRCh37 (hg19) VCF-style: chr1-45796184-T-C.
Other names: c.1089+4A>G (NM_001350651.2, NM_001350650.2); c.1158+4A>G (NM_001293192.2, NM_001293196.2); c.1434+4A>G (NM_001048171.2, NM_001048173.2, NM_001293195.2); c.1479+4A>G (NM_001293190.2); c.1509+4A>G (NM_012222.3); c.1518+4A>G (NM_001128425.2); c.1437+4A>G (NM_001048172.2); c.1467+4A>G (NM_001293191.2).
Identifiers: ClinVar variation 229995 (VCV000229995.18), dbSNP rs876658323, ClinGen allele CA10577696.

ClinVar aggregate classification (germline): Conflicting classifications of pathogenicity. Review status: criteria provided, conflicting classifications (1 of 4 stars). 4 submissions from 4 submitters: Pathogenic (1); Likely pathogenic (1); Uncertain significance (2). Last evaluated 2024-12-26.

Conditions:
Hereditary cancer-predisposing syndrome. Also called: Tumor predisposition; Hereditary Cancer Syndrome; Neoplastic Syndromes, Hereditary; Hereditary neoplastic syndrome. Identifiers: Orphanet 140162, MedGen C0027672, MeSH D009386, MONDO:0015356.
Familial adenomatous polyposis 2. Also called: MYH-associated polyposis; FAP type 2; ADENOMAS, MULTIPLE COLORECTAL, AUTOSOMAL RECESSIVE; MUTYH Polyposis; MUTYH-associated polyposis; MUTYH-related attenuated familial adenomatous polyposis. Identifiers: Orphanet 220460, Orphanet 247798, MedGen C3272841, MONDO:0012041, OMIM 608456.

Allele frequency attached by ClinVar (database versions not stated): TOPMed below 0.00001.

Submissions (4):

Ambry Genetics
Classification: Likely pathogenic for Hereditary cancer-predisposing syndrome. Last evaluated: 2024-12-26. Review status: criteria provided, single submitter. Criteria: Ambry Variant Classification Scheme 2023. Collection method: clinical testing. Allele origin: germline.
Comment: The c.1518+4A>G intronic variant results from an A to G substitution 4 nucleotides after coding exon 15 in the MUTYH gene. This nucleotide position is highly conserved in available vertebrate species. In silico splice site analysis for this alteration is inconclusive; however, RNA studies have demonstrated that this alteration results in abnormal splicing in the set of samples tested (Ambry internal data). This variant is considered to be rare based on population cohorts in the Genome Aggregation Database (gnomAD). Based on the majority of available evidence to date, this variant is likely to be pathogenic.

Baylor Genetics
Classification: Uncertain significance for Familial adenomatous polyposis 2. Last evaluated: 2024-02-07. Review status: criteria provided, single submitter. Criteria: ACMG Guidelines, 2015. Collection method: clinical testing. Allele origin: unknown.

Labcorp Genetics (formerly Invitae), Labcorp
Classification: Pathogenic for Familial adenomatous polyposis 2. Last evaluated: 2023-04-24. Review status: criteria provided, single submitter. Criteria: Invitae Variant Classification Sherloc (09022015). Collection method: clinical testing. Allele origin: germline.
Comment: Other variant(s) that result in skipping of exon 15 have been determined to be pathogenic (PMID: 16557584, 17931073, 17949294, 19806110, 20618354, 23729658; Invitae). This suggests that this variant may also be clinically significant and likely to be disease-causing. For these reasons, this variant has been classified as Pathogenic. Variants that disrupt the consensus splice site are a relatively common cause of aberrant splicing (PMID: 17576681, 9536098). Studies have shown that this variant results in skipping of exon 15, but is expected to preserve the integrity of the reading-frame (Invitae). This sequence change falls in intron 15 of the MUTYH gene. It does not directly change the encoded amino acid sequence of the MUTYH protein. RNA analysis indicates that this variant induces altered splicing and likely results in a shortened protein product. This variant is not present in population databases (gnomAD no frequency). This variant has not been reported in the literature in individuals affected with MUTYH-related conditions. ClinVar contains an entry for this variant (Variation ID: 229995).

Color Diagnostics, LLC DBA Color Health
Classification: Uncertain significance for Hereditary cancer-predisposing syndrome. Last evaluated: 2023-02-09. Review status: criteria provided, single submitter. Criteria: ACMG Guidelines, 2015. Collection method: clinical testing. Allele origin: germline.
Comment: This variant causes an A to G nucleotide substitution at the +4 position of intron 15 of the MUTYH gene. This variant has been reported to impact RNA splicing by an external laboratory, however, detailed data are not available for review (ClinVar SCV000273393.6). This variant has not been reported in individuals affected with MUTYH-related disorders in the literature. This variant has not been identified in the general population by the Genome Aggregation Database (gnomAD). The available evidence is insufficient to determine the role of this variant in disease conclusively. Therefore, this variant is classified as a Variant of Uncertain Significance.

Literature cited by the submitters: PubMed 16557584 (cited by Labcorp Genetics (formerly Invitae), Labcorp); PubMed 17931073 (cited by Labcorp Genetics (formerly Invitae), Labcorp); PubMed 17949294 (cited by Labcorp Genetics (formerly Invitae), Labcorp); PubMed 19806110 (cited by Labcorp Genetics (formerly Invitae), Labcorp); PubMed 20618354 (cited by Labcorp Genetics (formerly Invitae), Labcorp); PubMed 23729658 (cited by Labcorp Genetics (formerly Invitae), Labcorp); PubMed 17576681 (cited by Labcorp Genetics (formerly Invitae), Labcorp); PubMed 9536098 (cited by Labcorp Genetics (formerly Invitae), Labcorp).